The following is an entry in ClinVar:

ClinVar aggregate classification (germline): Likely benign (1 of 4 stars; one submission).

Allele frequency attached by ClinVar (database versions not stated): TOPMed 0.00003; gnomAD 0.00012; gnomAD exomes 0.00016; ExAC 0.00031; 1000 Genomes Project 0.00060; 1000 Genomes Project 30x 0.00078.
gnomAD v4.1: 239 of 1,613,772 alleles (0.015%); highest among the groups gnomAD compares: South Asian, 0.26%; 3 homozygotes.

Submission:

CeGaT Center for Human Genetics Tuebingen
Classification: Likely benign. Last evaluated: 2022-05-01. Review status: criteria provided, single submitter. Criteria: CeGaT Center For Human Genetics Tuebingen Variant Classification Criteria Version 2. Collection method: clinical testing. Allele origin: germline. Affected: yes. Observed: 1 variant allele.
Comment: ADAMTS8: BP4, BP7

NM_007037.6(ADAMTS8):c.1449G>A (p.Glu483=)

Gene: ADAMTS8 (ADAM metallopeptidase with thrombospondin type 1 motif 8; minus strand). Cytogenetic location: 11q24.3.
Variant type: single nucleotide variant.
Coding change: c.1449G>A on transcript NM_007037.6 (MANE Select); coding-DNA position 1449, G replaced by A.
Protein change: p.Glu483=; no amino-acid change (glutamic acid 483 retained).
Molecular consequence: synonymous variant.
Genome position (GRCh38, 1-based): chr11:130,414,648, C>T on the plus strand (G>A on the coding strand, the complement: ADAMTS8 is on the minus strand). VCF-style: chr11-130414648-C-T. GRCh37 (hg19) VCF-style: chr11-130284543-C-T.
Identifiers: ClinVar variation 2642546 (VCV002642546.24), dbSNP rs574346911, ClinGen allele CA6365185.